The following is an entry in ClinVar:

ClinVar aggregate classification (germline): Likely benign. Review status: criteria provided, multiple submitters, no conflicts (2 of 4 stars). 3 submissions from 3 submitters: Likely benign (2). 1 of the submissions does not count toward it. Last evaluated 2025-10-28.

Conditions:
PLEC-related disorder. Also called: PLEC-related disorders; PLEC-related condition.
Autosomal recessive limb-girdle muscular dystrophy type 2Q (LGMDR17). Also called: MUSCULAR DYSTROPHY, LIMB-GIRDLE, AUTOSOMAL RECESSIVE 17. Identifiers: Orphanet 254361, MedGen C3150989, MONDO:0013390, OMIM 613723.
Epidermolysis bullosa simplex 5C, with pyloric atresia (EBS5C). Also called: PLEC-Related Epidermolysis Bullosa with Pyloric Atresia; Epidermolysis bullosa simplex with pyloric atresia; PLEC1-Related Epidermolysis Bullosa with Pyloric Atresia. Identifiers: Orphanet 158684, MedGen C2677349, MONDO:0012807, OMIM 612138.
Epidermolysis bullosa simplex, Ogna type (EBS5A). Also called: Pidermolysis bullosa simplex 5A, Ogna type; EPIDERMOLYSIS BULLOSA SIMPLEX 5A, OGNA TYPE. Identifiers: Orphanet 79401, MedGen C0432317, MONDO:0007555, OMIM 131950.
Epidermolysis bullosa simplex with nail dystrophy (EBS5D). Identifiers: MedGen C4225309, MONDO:0014661, OMIM 616487.
Epidermolysis bullosa simplex 5B, with muscular dystrophy (EBS5B). Also called: Epidermolysis bullosa simplex with muscular dystrophy; EPIDERMOLYSIS BULLOSA SIMPLEX AND LIMB-GIRDLE MUSCULAR DYSTROPHY. Identifiers: Orphanet 257, MedGen C2931072, MONDO:0009181, OMIM 226670.

Allele frequency attached by ClinVar (database versions not stated): gnomAD 0.00005 and 0.00006; TOPMed 0.00005; gnomAD exomes 0.00007; ExAC 0.00008; ESP Exome Variant Server 0.00008.
gnomAD v4.1: 113 of 1,611,014 alleles (0.007%); highest among the groups gnomAD compares: Admixed American, 0.018%; no homozygotes.

Submissions (3):

Labcorp Genetics (formerly Invitae), Labcorp
Classification: Likely benign for Autosomal recessive limb-girdle muscular dystrophy type 2Q; Epidermolysis bullosa simplex, Ogna type; Epidermolysis bullosa simplex with nail dystrophy; Epidermolysis bullosa simplex 5C, with pyloric atresia; Epidermolysis bullosa simplex 5B, with muscular dystrophy. Last evaluated: 2025-10-28. Review status: criteria provided, single submitter. Criteria: Invitae Variant Classification Sherloc (09022015). Collection method: clinical testing. Allele origin: germline.

Laboratory for Molecular Medicine, Mass General Brigham Personalized Medicine
Classification: Likely benign. Last evaluated: 2015-09-03. Review status: criteria provided, single submitter. Criteria: LMM Criteria. Collection method: clinical testing. Allele origin: germline. Observed: 1 variant allele.
Comment: p.Ser4323Ser in exon 32 of PLEC: This variant is not expected to have clinical s ignificance because it does not alter an amino acid residue and is not located w ithin the splice consensus sequence. It has been identified in 6/66012 European chromosomes by the Exome Aggregation Consortium (ExAC; dbSNP rs370789200).

PreventionGenetics, part of Exact Sciences
Classification: Likely benign for PLEC-related condition. Last evaluated: 2024-02-15. Review status: no assertion criteria provided. Collection method: clinical testing. Allele origin: germline. Not counted in ClinVar's aggregate classification.
Comment: This variant is classified as likely benign based on ACMG/AMP sequence variant interpretation guidelines (Richards et al. 2015 PMID: 25741868, with internal and published modifications).

NM_201384.3(PLEC):c.12558G>A (p.Ser4186=)

Gene: PLEC (plectin; minus strand). Cytogenetic location: 8q24.3.
Variant type: single nucleotide variant.
Coding change: c.12558G>A on transcript NM_201384.3 (MANE Select); coding-DNA position 12558, G replaced by A.
Protein change: p.Ser4186=; no amino-acid change (serine 4186 retained).
Molecular consequence: synonymous variant.
Genome position (GRCh38, 1-based): chr8:143,917,263, C>T on the plus strand (G>A on the coding strand, the complement: PLEC is on the minus strand). VCF-style: chr8-143917263-C-T. GRCh37 (hg19) VCF-style: chr8-144991431-C-T.
Other names: c.12639G>A, p.Ser4213= (NM_000445.5); c.12516G>A, p.Ser4172= (NM_201378.4); c.12492G>A, p.Ser4164= (NM_201379.3); c.12969G>A, p.Ser4323= (NM_201380.4); c.12462G>A, p.Ser4154= (NM_201381.3); c.12558G>A, p.Ser4186= (NM_201382.4); c.12570G>A, p.Ser4190= (NM_201383.3).
Identifiers: ClinVar variation 227853 (VCV000227853.18), dbSNP rs370789200, ClinGen allele CA4924056.
Genomic context (GRCh38, chr8:143,917,263, plus strand): 5'-ATCGATGTCGTACTGGCGCCCGGAGCGGCGGTCGATGATCATGGACTTGACCACGCCGTC[C>T]GAGGAGGAGATGGTGATCTCCTCCCACTCGCACTCCTGCTCGGACAGCTCCAGGTACGTC-3'
Protein context (NP_958786.1, residues 4176-4196): CEWEEITISS[Ser4186=]DGVVKSMIID